The following is an entry in ClinVar:

NM_004104.5(FASN):c.3508C>T (p.Pro1170Ser)

Gene: FASN (fatty acid synthase; minus strand). Cytogenetic location: 17q25.3.
Variant type: single nucleotide variant.
Coding change: c.3508C>T on transcript NM_004104.5 (MANE Select); coding-DNA position 3508, C replaced by T.
Protein change: p.Pro1170Ser; replaces proline 1170 with serine.
Molecular consequence: missense variant.
Genome position (GRCh38, 1-based): chr17:82,086,478, G>A on the plus strand (C>T on the coding strand, the complement: FASN is on the minus strand). VCF-style: chr17-82086478-G-A. GRCh37 (hg19) VCF-style: chr17-80044354-G-A.
Other names: short protein forms P1170S.
Identifiers: ClinVar variation 951631 (VCV000951631.9), dbSNP rs931801543, ClinGen allele CA295131616.

ClinVar aggregate classification (germline): Uncertain significance (1 of 4 stars; one submission).

Conditions:
Epileptic encephalopathy. Identifiers: MedGen C0543888, HP:0200134.

Allele frequency attached by ClinVar (database versions not stated): gnomAD exomes below 0.00001 and 0.00001; TOPMed below 0.00001.
gnomAD v4.1: 2 of 1,612,528 alleles (0.00012%); highest among the groups gnomAD compares: Admixed American, 0.0033%; no homozygotes.

Submission:

Labcorp Genetics (formerly Invitae), Labcorp
Classification: Uncertain significance for Epileptic encephalopathy. Last evaluated: 2025-11-23. Review status: criteria provided, single submitter. Criteria: Invitae Variant Classification Sherloc (09022015). Collection method: clinical testing. Allele origin: germline.
Comment: This sequence change replaces proline, which is neutral and non-polar, with serine, which is neutral and polar, at codon 1170 of the FASN protein (p.Pro1170Ser). This variant is present in population databases (no rsID available, gnomAD 0.006%). This variant has not been reported in the literature in individuals affected with FASN-related conditions. ClinVar contains an entry for this variant (Variation ID: 951631). An algorithm developed to predict the effect of missense changes on protein structure and function outputs the following: PolyPhen-2: "Benign". The serine amino acid residue is found in multiple mammalian species, which suggests that this missense change does not adversely affect protein function. In summary, the available evidence is currently insufficient to determine the role of this variant in disease. Therefore, it has been classified as a Variant of Uncertain Significance.